The following is an entry in ClinVar:

ClinVar aggregate classification (germline): Uncertain significance (1 of 4 stars; one submission).

Conditions:
Hereditary cancer-predisposing syndrome. Also called: Hereditary neoplastic syndrome; Neoplastic Syndromes, Hereditary; Tumor predisposition; Hereditary Cancer Syndrome. Identifiers: Orphanet 140162, MedGen C0027672, MeSH D009386, MONDO:0015356.

Submission:

Ambry Genetics
Classification: Uncertain significance for Hereditary cancer-predisposing syndrome. Last evaluated: 2025-08-27. Review status: criteria provided, single submitter. Criteria: Ambry Variant Classification Scheme 2023. Collection method: clinical testing. Allele origin: germline.
Comment: The p.S166A variant (also known as c.496T>G), located in coding exon 6 of the MUTYH gene, results from a T to G substitution at nucleotide position 496. The serine at codon 166 is replaced by alanine, an amino acid with similar properties. This amino acid position is conserved. In addition, the in silico prediction for this alteration is inconclusive. Based on the available evidence, the clinical significance of this variant remains unclear.

NM_001048174.2(MUTYH):c.412T>G (p.Ser138Ala)

Gene: MUTYH (mutY DNA glycosylase; minus strand). Cytogenetic location: 1p34.1.
Variant type: single nucleotide variant.
Coding change: c.412T>G on transcript NM_001048174.2 (MANE Select); coding-DNA position 412, T replaced by G.
Protein change: p.Ser138Ala; replaces serine 138 with alanine.
Molecular consequence: missense variant. On other transcripts: non-coding transcript variant (6), intron variant (4).
Genome position (GRCh38, 1-based): chr1:45,332,926, A>C on the plus strand (T>G on the coding strand, the complement: MUTYH is on the minus strand). VCF-style: chr1-45332926-A-C. GRCh37 (hg19) VCF-style: chr1-45798598-A-C.
Other names: c.412T>G, p.Ser138Ala (NM_001048171.2, NM_001048173.2, NM_001293195.2 and 5 more transcripts); c.415T>G, p.Ser139Ala (NM_001048172.2, NM_001407071.1, NM_001407078.1 and 1 more transcripts); c.496T>G, p.Ser166Ala (NM_001128425.2); c.457T>G, p.Ser153Ala (NM_001293190.2); c.445T>G, p.Ser149Ala (NM_001293191.2, NM_001407077.1); c.136T>G, p.Ser46Ala (NM_001293192.2, NM_001293196.2, NM_001407091.1); c.67T>G, p.Ser23Ala (NM_001350650.2, NM_001350651.2, NM_001407082.1); c.487T>G, p.Ser163Ala (NM_012222.3); and 7 more; short protein forms S139A, S152A, S153A, S166A, S149A, S163A, S23A, S46A.
Identifiers: ClinVar variation 4113696 (VCV004113696.1).